The following is an entry in ClinVar:

ClinVar aggregate classification (germline): Pathogenic. Review status: criteria provided, multiple submitters, no conflicts (2 of 4 stars). 4 submissions from 4 submitters: Pathogenic (3). 1 of the submissions does not count toward it. Last evaluated 2025-11-18.

Conditions:
RHO-related disorder. Also called: RHO-related condition.
Retinitis pigmentosa 4 (RP4). Also called: RETINITIS PIGMENTOSA, RHODOPSIN-RELATED. Identifiers: Orphanet 791, MedGen C3151001, MONDO:0013395, OMIM 613731.

Allele frequency attached by ClinVar (database versions not stated): gnomAD exomes below 0.00001.

Submissions (4):

Labcorp Genetics (formerly Invitae), Labcorp
Classification: Pathogenic. Last evaluated: 2025-11-18. Review status: criteria provided, single submitter. Criteria: Invitae Variant Classification Sherloc (09022015). Collection method: clinical testing. Allele origin: germline.
Comment: This sequence change replaces glycine, which is neutral and non-polar, with arginine, which is basic and polar, at codon 51 of the RHO protein (p.Gly51Arg). This variant is not present in population databases (gnomAD no frequency). This missense change has been observed in individuals with autosomal dominant retinitis pigmentosa (PMID: 8088850, 10967073, 28981474). It has also been observed to segregate with disease in related individuals. ClinVar contains an entry for this variant (Variation ID: 13047). Invitae Evidence Modeling of protein sequence and biophysical properties (such as structural, functional, and spatial information, amino acid conservation, physicochemical variation, residue mobility, and thermodynamic stability) indicates that this missense variant is expected to disrupt RHO protein function with a positive predictive value of 95%. Experimental studies have shown that this missense change affects RHO function (PMID: 19913029, 25096327). For these reasons, this variant has been classified as Pathogenic.

Blueprint Genetics
Classification: Pathogenic for RHO-related disorders. Last evaluated: 2024-09-07. Review status: criteria provided, single submitter. Criteria: ACMG Guidelines, 2015. Collection method: clinical testing. Allele origin: germline. Affected: yes. Observed: 5 variant alleles.

PreventionGenetics, part of Exact Sciences
Classification: Pathogenic for RHO-related condition. Last evaluated: 2023-03-09. Review status: criteria provided, single submitter. Criteria: ACMG Guidelines, 2015. Collection method: clinical testing. Allele origin: germline.
Comment: The RHO c.151G>C variant is predicted to result in the amino acid substitution p.Gly51Arg. This variant has been reported in multiple individuals with autosomal dominant retinitis pigmentosa and in several of these reports was found to segregate with disease within a kindred (al-Maghtheh et al. 1993. PubMed ID: 8401533; Vaithinathan et al. 1994. PubMed ID: 8088850; Dryja and McGee. 2000. PubMed ID: 10967073; Comander et al. 2017. PubMed ID: 28981474). Functional studies have shown that the p.Gly51Arg substitution causes protein misfolding and mislocalization (Rakoczy et al. 2011. PubMed ID: 21094163; Wan. 2019. PubMed ID: 30977563). This variant has not been reported in a large population database, indicating this variant is rare. Given the evidence, we interpret c.151G>C (p.Gly51Arg) as pathogenic for autosomal dominant disease.

OMIM
Classification: Pathogenic for RETINITIS PIGMENTOSA 4. Last evaluated: 1994-05-15. Review status: no assertion criteria provided. Collection method: literature only. Allele origin: germline. Not counted in ClinVar's aggregate classification.

Literature cited by the submitters: PubMed 8088850 (cited by Labcorp Genetics (formerly Invitae), Labcorp and OMIM); PubMed 10967073 (cited by Labcorp Genetics (formerly Invitae), Labcorp); PubMed 28981474 (cited by Labcorp Genetics (formerly Invitae), Labcorp); PubMed 19913029 (cited by Labcorp Genetics (formerly Invitae), Labcorp); PubMed 25096327 (cited by Labcorp Genetics (formerly Invitae), Labcorp).

NM_000539.3(RHO):c.151G>C (p.Gly51Arg)

Gene: RHO (rhodopsin; plus strand). Cytogenetic location: 3q22.1.
Variant type: single nucleotide variant.
Coding change: c.151G>C on transcript NM_000539.3 (MANE Select); coding-DNA position 151, G replaced by C.
Protein change: p.Gly51Arg; replaces glycine 51 with arginine.
Molecular consequence: missense variant.
Genome position (GRCh38, 1-based): chr3:129,528,884, G>C. VCF-style: chr3-129528884-G-C. GRCh37 (hg19) VCF-style: chr3-129247727-G-C.
Other names: short protein forms G51R.
Identifiers: ClinVar variation 13047 (VCV000013047.12), dbSNP rs104893792, ClinGen allele CA256687.